The following is an entry in ClinVar:

ClinVar aggregate classification (germline): Pathogenic (1 of 4 stars; one submission).

Conditions:
Carnitine palmitoyltransferase II deficiency. Also called: Carnitine Palmitoyltransferase 2 Deficiency. Identifiers: Orphanet 157, MedGen C0342790, MONDO:0015515.

Submission:

Labcorp Genetics (formerly Invitae), Labcorp
Classification: Pathogenic for Carnitine palmitoyltransferase II deficiency. Last evaluated: 2025-04-28. Review status: criteria provided, single submitter. Criteria: Invitae Variant Classification Sherloc (09022015). Collection method: clinical testing. Allele origin: germline.
Comment: This sequence change creates a premature translational stop signal (p.Tyr538Serfs*5) in the CPT2 gene. While this is not anticipated to result in nonsense mediated decay, it is expected to disrupt the last 121 amino acid(s) of the CPT2 protein. This variant is not present in population databases (gnomAD no frequency). This variant has not been reported in the literature in individuals affected with CPT2-related conditions. ClinVar contains an entry for this variant (Variation ID: 2786411). Algorithms developed to predict the effect of sequence changes on RNA splicing suggest that this variant may disrupt the consensus splice site. This variant disrupts a region of the CPT2 protein in which other variant(s) (p.Glu645Argfs*5) have been determined to be pathogenic (PMID: 17936304, 21913903). This suggests that this is a clinically significant region of the protein, and that variants that disrupt it are likely to be disease-causing. For these reasons, this variant has been classified as Pathogenic.

Literature cited by the submitters: PubMed 17936304; PubMed 21913903.

NM_000098.3(CPT2):c.1613del (p.Tyr538fs)

Gene: CPT2 (carnitine palmitoyltransferase 2; plus strand). Cytogenetic location: 1p32.3.
Variant type: Deletion.
Coding change: c.1613del on transcript NM_000098.3 (MANE Select); coding-DNA position 1613, one base deleted (A; older notation c.1613delA).
Protein change: p.Tyr538fs; shifts the reading frame from tyrosine 538.
Molecular consequence: frameshift variant. On other transcripts: intron variant (1).
Genome position (GRCh38, 1-based): chr1:53,211,287, A deleted. VCF-style (leftmost placement, unchanged base first): chr1-53211286-TA-T. GRCh37 (hg19) VCF-style: chr1-53676958-TA-T.
Other names: c.1576+37del (NM_001330589.2); short protein forms Y538fs.
Identifiers: ClinVar variation 2786411 (VCV002786411.3), dbSNP rs2525590777, ClinGen allele CA2739272555.
Genomic context (GRCh38, chr1:53,211,286, plus strand): 5'-AGGGAGCCCTCCAGGCACAGTGCTGGTGAGCTTCAGCAGATGATGGTTGAGTGCTCCAAG[TA>T]CCATGGCCAGCTGACCAAAGAAGCAGCAATGGGTGAGGCAGGGGTGGGGAGCATGCCCTT-3'